The following is an entry in ClinVar:

NM_002900.3(RBP3):c.2675C>T (p.Ser892Phe)

Gene: RBP3 (retinol binding protein 3; plus strand). Cytogenetic location: 10q11.22.
Variant type: single nucleotide variant.
Coding change: c.2675C>T on transcript NM_002900.3 (MANE Select); coding-DNA position 2675, C replaced by T.
Protein change: p.Ser892Phe; replaces serine 892 with phenylalanine.
Molecular consequence: missense variant.
Genome position (GRCh38, 1-based): chr10:47,351,159, C>T. VCF-style: chr10-47351159-C-T. GRCh37 (hg19) VCF-style: chr10-48388203-G-A.
Other names: short protein forms S892F.
Identifiers: ClinVar variation 2051462 (VCV002051462.4), dbSNP rs2549029443, ClinGen allele CA376674424.
Genomic context (GRCh38, chr10:47,351,159, plus strand): 5'-CGGCCGGAGGCGCACTCTCTGTGGGCATCTACCAGGTGGGCAGCAGCCCCTTATATGCAT[C>T]CATGCCCACCCAGATGGCCATGAGTGCCACCACAGGCAAGGCCTGGGACCTGGCTGGTGT-3'
Protein context (NP_002891.1, residues 882-902): YQVGSSPLYA[Ser892Phe]MPTQMAMSAT

ClinVar aggregate classification (germline): Uncertain significance (1 of 4 stars; one submission).

Allele frequency attached by ClinVar (database versions not stated): gnomAD exomes below 0.00001.
gnomAD v4.1: 1 of 1,613,128 alleles (0.000062%); highest among the groups gnomAD compares: South Asian, 0.0011%; no homozygotes.

Submission:

Labcorp Genetics (formerly Invitae), Labcorp
Classification: Uncertain significance. Last evaluated: 2021-12-21. Review status: criteria provided, single submitter. Criteria: Invitae Variant Classification Sherloc (09022015). Collection method: clinical testing. Allele origin: germline.
Comment: This sequence change replaces serine, which is neutral and polar, with phenylalanine, which is neutral and non-polar, at codon 892 of the RBP3 protein (p.Ser892Phe). This variant is not present in population databases (gnomAD no frequency). This variant has not been reported in the literature in individuals affected with RBP3-related conditions. Algorithms developed to predict the effect of missense changes on protein structure and function are either unavailable or do not agree on the potential impact of this missense change (SIFT: "Deleterious"; PolyPhen-2: "Possibly Damaging"; Align-GVGD: "Class C15"). In summary, the available evidence is currently insufficient to determine the role of this variant in disease. Therefore, it has been classified as a Variant of Uncertain Significance.